The following is an entry in ClinVar:

NC_000012.11:g.(?_125470622)_(125473568_?)dup

Gene: DHX37 (DEAH-box helicase 37; minus strand). Cytogenetic location: 12q24.31.
Variant type: Duplication.
Identifiers: ClinVar variation 2427056 (VCV002427056.3).

ClinVar aggregate classification (germline): Uncertain significance (1 of 4 stars; one submission).

Submission:

Labcorp Genetics (formerly Invitae), Labcorp
Classification: Uncertain significance. Last evaluated: 2023-07-17. Review status: criteria provided, single submitter. Criteria: Invitae Variant Classification Sherloc (09022015). Collection method: clinical testing. Allele origin: germline.
Comment: This variant results in a copy number gain of the genomic region encompassing exon(s) 1-2 of the DHX37 gene. This region includes the initiator codon of the gene. This copy number gain extends beyond the assayed region for this gene and therefore may encompass additional genes. As the precise location of this event is unknown, it may be in tandem or it may be located elsewhere in the genome. This variant has not been reported in the literature in individuals affected with DHX37-related conditions. In summary, the available evidence is currently insufficient to determine the role of this variant in disease. Therefore, it has been classified as a Variant of Uncertain Significance.